The following is an entry in ClinVar:

ClinVar aggregate classification (germline): Benign/Likely benign. Review status: criteria provided, multiple submitters, no conflicts (2 of 4 stars). 5 submissions from 5 submitters: Benign (2); Likely benign (2). 1 of the submissions does not count toward it. Last evaluated 2026-02-02.

Conditions:
GUF1-related disorder. Also called: GUF1-related condition.

Allele frequency attached by ClinVar (database versions not stated): gnomAD exomes 0.00055; ExAC 0.00081; gnomAD 0.00215 and 0.00230; ESP Exome Variant Server 0.00246; TOPMed 0.00248; 1000 Genomes Project 30x 0.00312; 1000 Genomes Project 0.00319.
gnomAD v4.1: 646 of 1,595,692 alleles (0.04%); highest among the groups gnomAD compares: African/African-American, 0.7%; 3 homozygotes.

Submissions (5):

Labcorp Genetics (formerly Invitae), Labcorp
Classification: Benign. Last evaluated: 2026-02-02. Review status: criteria provided, single submitter. Criteria: Invitae Variant Classification Sherloc (09022015). Collection method: clinical testing. Allele origin: germline.

Blueprint Genetics
Classification: Likely benign. Last evaluated: 2024-10-30. Review status: criteria provided, single submitter. Criteria: ACMG Guidelines, 2015. Collection method: clinical testing. Allele origin: germline.

CeGaT Center for Human Genetics Tuebingen
Classification: Likely benign. Last evaluated: 2022-03-01. Review status: criteria provided, single submitter. Criteria: CeGaT Center For Human Genetics Tuebingen Variant Classification Criteria Version 2. Collection method: clinical testing. Allele origin: germline. Affected: yes. Observed: 1 variant allele.
Comment: GUF1: BP4, BP7

Breakthrough Genomics
Classification: Benign. Review status: criteria provided, single submitter. Criteria: ACMG Guidelines, 2015. Collection method: not provided. Allele origin: germline. Inheritance: Autosomal recessive inheritance. Affected: yes.

PreventionGenetics, part of Exact Sciences
Classification: Benign for GUF1-related condition. Last evaluated: 2024-03-21. Review status: no assertion criteria provided. Collection method: clinical testing. Allele origin: germline. Not counted in ClinVar's aggregate classification.
Comment: This variant is classified as benign based on ACMG/AMP sequence variant interpretation guidelines (Richards et al. 2015 PMID: 25741868, with internal and published modifications).

NM_021927.3(GUF1):c.1383C>T (p.Pro461=)

Gene: GUF1 (GTP binding elongation factor GUF1; plus strand). Cytogenetic location: 4p12.
Variant type: single nucleotide variant.
Coding change: c.1383C>T on transcript NM_021927.3 (MANE Select); coding-DNA position 1383, C replaced by T.
Protein change: p.Pro461=; no amino-acid change (proline 461 retained).
Molecular consequence: synonymous variant.
Genome position (GRCh38, 1-based): chr4:44,690,764, C>T. VCF-style: chr4-44690764-C-T. GRCh37 (hg19) VCF-style: chr4-44692781-C-T.
Other names: c.411C>T, p.Pro137= (NM_001345867.2, NM_001345869.2); c.1383C>T, p.Pro461= (NM_001345868.2).
Identifiers: ClinVar variation 714242 (VCV000714242.36), dbSNP rs151009252, ClinGen allele CA2905631.
Genomic context (GRCh38, chr4:44,690,764, plus strand): 5'-TTCTAATTTTTAGGAACATAGAGAAAAAGAAATTACAATTATCAATCCTGCACAATTCCC[C>T]GATAAATCAAAAGTAACAGAATATTTGGAGCCAGTTGTTTTGGGCACTATTATCACACCA-3'
Protein context (NP_068746.2, residues 451-471): EITIINPAQF[Pro461=]DKSKVTEYLE